The following is an entry in ClinVar:

NM_199420.4(POLQ):c.6167C>T (p.Ser2056Phe)

Gene: POLQ (DNA polymerase theta; minus strand). Cytogenetic location: 3q13.33.
Variant type: single nucleotide variant.
Coding change: c.6167C>T on transcript NM_199420.4 (MANE Select); coding-DNA position 6167, C replaced by T.
Protein change: p.Ser2056Phe; replaces serine 2056 with phenylalanine.
Molecular consequence: missense variant.
Genome position (GRCh38, 1-based): chr3:121,481,616, G>A on the plus strand (C>T on the coding strand, the complement: POLQ is on the minus strand). VCF-style: chr3-121481616-G-A. GRCh37 (hg19) VCF-style: chr3-121200463-G-A.
Other names: short protein forms S2056F.
Identifiers: ClinVar variation 1751977 (VCV001751977.2), dbSNP rs778901078, ClinGen allele CA2562552.

ClinVar aggregate classification (germline): Uncertain significance (1 of 4 stars; one submission).

Allele frequency attached by ClinVar (database versions not stated): gnomAD exomes below 0.00001; ExAC 0.00001.
gnomAD v4.1: 1 of 1,613,058 alleles (0.000062%); highest among the groups gnomAD compares: South Asian, 0.0011%; no homozygotes.

Submission:

Ambry Genetics
Classification: Uncertain significance. Last evaluated: 2022-03-11. Review status: criteria provided, single submitter. Criteria: Ambry Variant Classification Scheme 2023. Collection method: clinical testing. Allele origin: germline.
Comment: The p.S2056F variant (also known as c.6167C>T), located in coding exon 19 of the POLQ gene, results from a C to T substitution at nucleotide position 6167. The serine at codon 2056 is replaced by phenylalanine, an amino acid with highly dissimilar properties. This amino acid position is conserved. In addition, this alteration is predicted to be tolerated by in silico analysis. Since supporting evidence is limited at this time, the clinical significance of this alteration remains unclear.